The following is an entry in ClinVar:

ClinVar aggregate classification (germline): Uncertain significance. Review status: criteria provided, multiple submitters, no conflicts (2 of 4 stars). 2 submissions from 2 submitters: Uncertain significance (2). Last evaluated 2025-12-05.

Conditions:
Hereditary cancer-predisposing syndrome. Also called: Neoplastic Syndromes, Hereditary; Tumor predisposition; Hereditary neoplastic syndrome; Hereditary Cancer Syndrome. Identifiers: Orphanet 140162, MedGen C0027672, MeSH D009386, MONDO:0015356.

Allele frequency attached by ClinVar (database versions not stated): gnomAD exomes 0.00001; gnomAD 0.00002; TOPMed 0.00002.
gnomAD v4.1: 12 of 1,613,758 alleles (0.00074%); highest among the groups gnomAD compares: Non-Finnish European, 0.00093%; no homozygotes.

Submissions (2):

Labcorp Genetics (formerly Invitae), Labcorp
Classification: Uncertain significance. Last evaluated: 2025-12-05. Review status: criteria provided, single submitter. Criteria: Invitae Variant Classification Sherloc (09022015). Collection method: clinical testing. Allele origin: germline.
Comment: This sequence change replaces arginine, which is basic and polar, with tryptophan, which is neutral and slightly polar, at codon 847 of the POLE protein (p.Arg847Trp). This variant is not present in population databases (gnomAD no frequency). This variant has not been reported in the literature in individuals affected with POLE-related conditions. ClinVar contains an entry for this variant (Variation ID: 840730). Invitae Evidence Modeling of protein sequence and biophysical properties (such as structural, functional, and spatial information, amino acid conservation, physicochemical variation, residue mobility, and thermodynamic stability) indicates that this missense variant is expected to disrupt POLE protein function with a positive predictive value of 80%. In summary, the available evidence is currently insufficient to determine the role of this variant in disease. Therefore, it has been classified as a Variant of Uncertain Significance.

Ambry Genetics
Classification: Uncertain significance for Hereditary cancer-predisposing syndrome. Last evaluated: 2025-03-21. Review status: criteria provided, single submitter. Criteria: Ambry Variant Classification Scheme 2023. Collection method: clinical testing. Allele origin: germline.
Comment: The p.R847W variant (also known as c.2539C>T), located in coding exon 22 of the POLE gene, results from a C to T substitution at nucleotide position 2539. The arginine at codon 847 is replaced by tryptophan, an amino acid with dissimilar properties. This amino acid position is highly conserved in available vertebrate species. In addition, the in silico prediction for this alteration is inconclusive. Based on the available evidence, the clinical significance of this variant remains unclear.

NM_006231.4(POLE):c.2539C>T (p.Arg847Trp)

Gene: POLE (DNA polymerase epsilon, catalytic subunit; minus strand). Cytogenetic location: 12q24.33.
Variant type: single nucleotide variant.
Coding change: c.2539C>T on transcript NM_006231.4 (MANE Select); coding-DNA position 2539, C replaced by T.
Protein change: p.Arg847Trp; replaces arginine 847 with tryptophan.
Molecular consequence: missense variant.
Genome position (GRCh38, 1-based): chr12:132,664,392, G>A on the plus strand (C>T on the coding strand, the complement: POLE is on the minus strand). VCF-style: chr12-132664392-G-A. GRCh37 (hg19) VCF-style: chr12-133240978-G-A.
Other names: c.2539C>T (NM_006231.2); short protein forms R847W.
Identifiers: ClinVar variation 840730 (VCV000840730.10), dbSNP rs1428997822, ClinGen allele CA387396248.